The following is an entry in ClinVar:

NM_001035.3(RYR2):c.10915A>C (p.Lys3639Gln)

Gene: RYR2 (ryanodine receptor 2; plus strand). Cytogenetic location: 1q43.
Variant type: single nucleotide variant.
Coding change: c.10915A>C on transcript NM_001035.3 (MANE Select); coding-DNA position 10915, A replaced by C.
Protein change: p.Lys3639Gln; replaces lysine 3639 with glutamine.
Molecular consequence: missense variant.
Genome position (GRCh38, 1-based): chr1:237,730,336, A>C. VCF-style: chr1-237730336-A-C. GRCh37 (hg19) VCF-style: chr1-237893636-A-C.
Other names: short protein forms K3639Q.
Identifiers: ClinVar variation 3070458 (VCV003070458.3), dbSNP rs1200519687, ClinGen allele CA345417921.

ClinVar aggregate classification (germline): Uncertain significance. Review status: criteria provided, multiple submitters, no conflicts (2 of 4 stars). 2 submissions from 2 submitters: Uncertain significance (2). Last evaluated 2025-12-08.

Conditions:
Cardiomyopathy (CMYO). Also called: Cardiomyopathies. Identifiers: Orphanet 167848, MedGen C0878544, MONDO:0004994, HP:0001638. Inheritance: Various modes of inheritance.
Catecholaminergic polymorphic ventricular tachycardia (CVPT). Also called: Catecholamine-induced polymorphic ventricular tachycardia. Identifiers: Orphanet 3286, MedGen C5574922, MONDO:0017990.

Allele frequency attached by ClinVar (database versions not stated): TOPMed below 0.00001; gnomAD 0.00001.
gnomAD v4.1: 1 of 1,580,452 alleles (0.000063%); highest among the groups gnomAD compares: Non-Finnish European, 0.000087%; no homozygotes.

Submissions (2):

Color Diagnostics, LLC DBA Color Health
Classification: Uncertain significance for Cardiomyopathy. Last evaluated: 2025-12-08. Review status: criteria provided, single submitter. Criteria: ACMG Guidelines, 2015. Collection method: clinical testing. Allele origin: germline.
Comment: This missense variant replaces lysine with glutamine at codon 3639 of the RYR2 protein. Computational prediction tools indicate that this variant's impact on protein structure and function is inconclusive. To our knowledge, functional studies have not been reported for this variant. This variant has not been reported in individuals affected with RYR2-related disorders in the literature. This variant has not been identified in the general population by the Genome Aggregation Database (gnomAD). The available evidence is insufficient to determine the role of this variant in disease conclusively. Therefore, this variant is classified as a Variant of Uncertain Significance.

All of Us Research Program, National Institutes of Health
Classification: Uncertain significance for Catecholaminergic polymorphic ventricular tachycardia. Last evaluated: 2023-04-10. Review status: criteria provided, single submitter. Criteria: ACMG Guidelines, 2015. Collection method: clinical testing. Allele origin: germline. Inheritance: Autosomal dominant inheritance. Observed: 1 variant allele, 1 heterozygote.
Comment: This missense variant replaces lysine with glutamine at codon 3639 of the RYR2 protein. Computational prediction is inconclusive regarding the impact of this variant on protein structure and function (internally defined REVEL score threshold 0.5 < inconclusive < 0.7, PMID: 27666373). To our knowledge, functional studies have not been reported for this variant. This variant has not been reported in individuals affected with RYR2-related disorders in the literature. This variant has not been identified in the general population by the Genome Aggregation Database (gnomAD). The available evidence is insufficient to determine the role of this variant in disease conclusively. Therefore, this variant is classified as a Variant of Uncertain Significance.

This study involves interpretation of variants in research participants for the purpose of population health screening. Participant phenotype was not available at the time of variant classification. Additional details can be found in publication PMID: 35346344, PMCID: PMC8962531